The following is an entry in ClinVar:

ClinVar aggregate classification (germline): Likely benign. Review status: criteria provided, single submitter (1 of 4 stars). 2 submissions from 2 submitters: Likely benign (1). 1 of the submissions does not count toward it. Last evaluated 2023-10-19.

Conditions:
CIT-related disorder. Also called: CIT-related condition.

Allele frequency attached by ClinVar (database versions not stated): gnomAD exomes 0.00002; ExAC 0.00005; gnomAD 0.00020; ESP Exome Variant Server 0.00023.
gnomAD v4.1: 56 of 1,613,220 alleles (0.0035%); highest among the groups gnomAD compares: African/African-American, 0.059%; no homozygotes.

Submissions (2):

Labcorp Genetics (formerly Invitae), Labcorp
Classification: Likely benign. Last evaluated: 2023-10-19. Review status: criteria provided, single submitter. Criteria: Invitae Variant Classification Sherloc (09022015). Collection method: clinical testing. Allele origin: germline.

PreventionGenetics, part of Exact Sciences
Classification: Likely benign for CIT-related condition. Last evaluated: 2022-10-05. Review status: no assertion criteria provided. Collection method: clinical testing. Allele origin: germline. Not counted in ClinVar's aggregate classification.
Comment: This variant is classified as likely benign based on ACMG/AMP sequence variant interpretation guidelines (Richards et al. 2015 PMID: 25741868, with internal and published modifications).

NM_001206999.2(CIT):c.5071+7G>A

Gene: CIT (citron rho-interacting serine/threonine kinase; minus strand). Cytogenetic location: 12q24.23.
Variant type: single nucleotide variant.
Coding change: c.5071+7G>A on transcript NM_001206999.2 (MANE Select); 7 bases into the intron after coding-DNA position 5071, G replaced by A.
Molecular consequence: intron variant.
Genome position (GRCh38, 1-based): chr12:119,710,244, C>T on the plus strand (G>A on the coding strand, the complement: CIT is on the minus strand). VCF-style: chr12-119710244-C-T. GRCh37 (hg19) VCF-style: chr12-120148049-C-T.
Other names: c.5071+7G>A (NM_001206999.1); c.4945+7G>A (NM_007174.3).
Identifiers: ClinVar variation 2729387 (VCV002729387.5), dbSNP rs377149379, ClinGen allele CA6821015.